The following is an entry in ClinVar:

ClinVar aggregate classification (germline): Uncertain significance (1 of 4 stars; one submission).

Allele frequency attached by ClinVar (database versions not stated): ExAC 0.00001; gnomAD 0.00001; gnomAD exomes 0.00001; TOPMed 0.00003.

Submission:

Labcorp Genetics (formerly Invitae), Labcorp
Classification: Uncertain significance. Last evaluated: 2022-07-18. Review status: criteria provided, single submitter. Criteria: Invitae Variant Classification Sherloc (09022015). Collection method: clinical testing. Allele origin: germline.
Comment: This variant has not been reported in the literature in individuals affected with LRP5-related conditions. ClinVar contains an entry for this variant (Variation ID: 1063280). Advanced modeling of protein sequence and biophysical properties (such as structural, functional, and spatial information, amino acid conservation, physicochemical variation, residue mobility, and thermodynamic stability) performed at Invitae indicates that this missense variant is not expected to disrupt LRP5 protein function. In summary, the available evidence is currently insufficient to determine the role of this variant in disease. Therefore, it has been classified as a Variant of Uncertain Significance. This variant is present in population databases (rs775334774, gnomAD 0.002%). This sequence change replaces valine, which is neutral and non-polar, with isoleucine, which is neutral and non-polar, at codon 43 of the LRP5 protein (p.Val43Ile).

NM_002335.4(LRP5):c.127G>A (p.Val43Ile)

Gene: LRP5 (LDL receptor related protein 5; plus strand). Cytogenetic location: 11q13.2.
Variant type: single nucleotide variant.
Coding change: c.127G>A on transcript NM_002335.4 (MANE Select); coding-DNA position 127, G replaced by A.
Protein change: p.Val43Ile; replaces valine 43 with isoleucine.
Molecular consequence: missense variant. On other transcripts: 5 prime UTR variant (1).
Genome position (GRCh38, 1-based): chr11:68,347,882, G>A. VCF-style: chr11-68347882-G-A. GRCh37 (hg19) VCF-style: chr11-68115350-G-A.
Other names: c.-1639G>A (NM_001291902.2); short protein forms V43I.
Identifiers: ClinVar variation 1063280 (VCV001063280.9), dbSNP rs775334774, ClinGen allele CA6148913.
Genomic context (GRCh38, chr11:68,347,882, plus strand): 5'-CTCACGGTTTGCTTCTGCCCCACAGCCTCGCCGCTCCTGCTATTTGCCAACCGCCGGGAC[G>A]TACGGCTGGTGGACGCCGGCGGAGTCAAGCTGGAGTCCACCATCGTGGTCAGCGGCCTGG-3'
Protein context (NP_002326.2, residues 33-53): PLLLFANRRD[Val43Ile]RLVDAGGVKL